The following is an entry in ClinVar:

ClinVar aggregate classification (germline): Benign/Likely benign. Review status: criteria provided, multiple submitters, no conflicts (2 of 4 stars). 3 submissions from 3 submitters: Benign (2); Likely benign (1). Last evaluated 2018-06-14.

Conditions:
Maturity-onset diabetes of the young (MODY). Also called: Maturity onset diabetes mellitus in young. Identifiers: Orphanet 552, MedGen C0342276, MONDO:0018911, HP:0004904.

Allele frequency attached by ClinVar (database versions not stated): TOPMed 0.01988; gnomAD 0.01990 and 0.02026; 1000 Genomes Project 0.03315; 1000 Genomes Project 30x 0.03326.

Submissions (3):

GeneDx
Classification: Benign. Last evaluated: 2018-06-14. Review status: criteria provided, single submitter. Criteria: GeneDx Variant Classification (06012015). Collection method: clinical testing. Allele origin: germline. Affected: yes.
Comment: This variant is considered likely benign or benign based on one or more of the following criteria: it is a conservative change, it occurs at a poorly conserved position in the protein, it is predicted to be benign by multiple in silico algorithms, and/or has population frequency not consistent with disease.

Breakthrough Genomics
Classification: Benign. Review status: criteria provided, single submitter. Criteria: ACMG Guidelines, 2015. Collection method: not provided. Allele origin: germline. Inheritance: Autosomal dominant inheritance. Affected: yes.

Clinical Genomics, Uppaluri K&H Personalized Medicine Clinic
Classification: Likely benign for Maturity-onset diabetes of the young. Review status: criteria provided, single submitter. Criteria: K & H Uppaluri Personalized Medicine Clinic Variant Classification & Assertion Criteria_Updated V.1. Collection method: research. Allele origin: unknown. Inheritance: Autosomal dominant inheritance.
Comment: HNF1B gene mutations are associated with early onset diabetes and pancreatic atrophy. It is also associated with multiple renal manifestations including renal cysts, Tubulointerstitial disease, glomerulocystic disease, renal hypoplasia, hypomagnesemia. However no sufficient evidence is found to ascertain the role of this particular variant rs77297671, yet.

Literature cited by the submitters: PubMed 24897035 (cited by Clinical Genomics, Uppaluri K&H Personalized Medicine Clinic); PubMed 25536396 (cited by Clinical Genomics, Uppaluri K&H Personalized Medicine Clinic); PubMed 27615128 (cited by Clinical Genomics, Uppaluri K&H Personalized Medicine Clinic); PubMed 28215227 (cited by Clinical Genomics, Uppaluri K&H Personalized Medicine Clinic); PubMed 33434175 (cited by Clinical Genomics, Uppaluri K&H Personalized Medicine Clinic); PubMed 25741167 (cited by Clinical Genomics, Uppaluri K&H Personalized Medicine Clinic); PubMed 26340261 (cited by Clinical Genomics, Uppaluri K&H Personalized Medicine Clinic); PubMed 19639018 (cited by Clinical Genomics, Uppaluri K&H Personalized Medicine Clinic).

NM_000458.4(HNF1B):c.1340-97G>A

Gene: HNF1B (HNF1 homeobox B; minus strand). Cytogenetic location: 17q12.
Variant type: single nucleotide variant.
Coding change: c.1340-97G>A on transcript NM_000458.4 (MANE Select); 97 bases into the intron before coding-DNA position 1340, G replaced by A.
Molecular consequence: intron variant.
Genome position (GRCh38, 1-based): chr17:37,701,274, C>T on the plus strand (G>A on the coding strand, the complement: HNF1B is on the minus strand). VCF-style: chr17-37701274-C-T. GRCh37 (hg19) VCF-style: chr17-36061279-C-T.
Other names: c.1261+3643G>A (NM_001304286.2); c.1262-97G>A (NM_001165923.4).
Identifiers: ClinVar variation 677779 (VCV000677779.3), dbSNP rs77297671, ClinGen allele CA290294837.